The following is an entry in ClinVar:

NM_001378120.1(MBD5):c.943T>G (p.Cys315Gly)

Gene: MBD5 (methyl-CpG binding domain protein 5; plus strand). Cytogenetic location: 2q23.1.
Variant type: single nucleotide variant.
Coding change: c.943T>G on transcript NM_001378120.1 (MANE Select); coding-DNA position 943, T replaced by G.
Protein change: p.Cys315Gly; replaces cysteine 315 with glycine.
Molecular consequence: missense variant.
Genome position (GRCh38, 1-based): chr2:148,468,886, T>G. VCF-style: chr2-148468886-T-G. GRCh37 (hg19) VCF-style: chr2-149226455-T-G.
Other names: c.943T>G, p.Cys315Gly (NM_018328.5); short protein forms C315G.
Identifiers: ClinVar variation 392439 (VCV000392439.10), dbSNP rs770076687, ClinGen allele CA1899945.

ClinVar aggregate classification (germline): Likely benign. Review status: criteria provided, multiple submitters, no conflicts (2 of 4 stars). 2 submissions from 2 submitters: Likely benign (2). Last evaluated 2024-11-21.

Conditions:
Intellectual developmental disorder, autosomal dominant 1. Also called: MBD5 Haploinsufficiency; Intellectual disability, autosomal dominant 1. Identifiers: Orphanet 228402, MedGen C1969562, MONDO:0007974, OMIM 156200.

Allele frequency attached by ClinVar (database versions not stated): TOPMed 0.00001; gnomAD exomes 0.00002; gnomAD 0.00003; ExAC 0.00002.
gnomAD v4.1: 33 of 1,613,822 alleles (0.002%); highest among the groups gnomAD compares: Non-Finnish European, 0.0025%; no homozygotes.

Submissions (2):

Labcorp Genetics (formerly Invitae), Labcorp
Classification: Likely benign for Intellectual developmental disorder, autosomal dominant 1. Last evaluated: 2024-11-21. Review status: criteria provided, single submitter. Criteria: Invitae Variant Classification Sherloc (09022015). Collection method: clinical testing. Allele origin: germline.

GeneDx
Classification: Likely benign. Last evaluated: 2017-01-06. Review status: criteria provided, single submitter. Criteria: GeneDx Variant Classification (06012015). Collection method: clinical testing. Allele origin: germline. Affected: yes.
Comment: This variant is considered likely benign or benign based on one or more of the following criteria: it is a conservative change, it occurs at a poorly conserved position in the protein, it is predicted to be benign by multiple in silico algorithms, and/or has population frequency not consistent with disease.